The following is an entry in ClinVar:

ClinVar aggregate classification (germline): Pathogenic (1 of 4 stars; one submission).

Submission:

Labcorp Genetics (formerly Invitae), Labcorp
Classification: Pathogenic. Last evaluated: 2023-02-18. Review status: criteria provided, single submitter. Criteria: Invitae Variant Classification Sherloc (09022015). Collection method: clinical testing. Allele origin: germline.
Comment: This sequence change creates a premature translational stop signal (p.Trp130*) in the RUNX2 gene. It is expected to result in an absent or disrupted protein product. Loss-of-function variants in RUNX2 are known to be pathogenic (PMID: 10521292, 11857736). For these reasons, this variant has been classified as Pathogenic. This premature translational stop signal has been observed in individual(s) with cleidocranial dysplasia (PMID: 12815605). This variant is not present in population databases (gnomAD no frequency).

Literature cited by the submitters: PubMed 10521292; PubMed 11857736; PubMed 12815605.

NM_001024630.4(RUNX2):c.389G>A (p.Trp130Ter)

Gene: RUNX2 (RUNX family transcription factor 2; plus strand). Cytogenetic location: 6p21.1.
Variant type: single nucleotide variant.
Coding change: c.389G>A on transcript NM_001024630.4 (MANE Select); coding-DNA position 389, G replaced by A.
Protein change: p.Trp130Ter; replaces tryptophan 130 with a stop codon.
Molecular consequence: nonsense.
Genome position (GRCh38, 1-based): chr6:45,422,923, G>A. VCF-style: chr6-45422923-G-A. GRCh37 (hg19) VCF-style: chr6-45390660-G-A.
Other names: c.389G>A, p.Trp130Ter (NM_001015051.4); c.347G>A, p.Trp116Ter (NM_001278478.2, NM_001369405.1, NM_004348.3); short protein forms W116*, W130*.
Identifiers: ClinVar variation 2734877 (VCV002734877.3), dbSNP rs2548582226, ClinGen allele CA363958653.